The following is an entry in ClinVar:

ClinVar aggregate classification (germline): Uncertain significance (1 of 4 stars; one submission).

Allele frequency attached by ClinVar (database versions not stated): gnomAD exomes below 0.00001.
gnomAD v4.1: 3 of 1,613,804 alleles (0.00019%); highest among the groups gnomAD compares: East Asian, 0.0022%; no homozygotes.

Submission:

Labcorp Genetics (formerly Invitae), Labcorp
Classification: Uncertain significance. Last evaluated: 2022-07-11. Review status: criteria provided, single submitter. Criteria: Invitae Variant Classification Sherloc (09022015). Collection method: clinical testing. Allele origin: germline.
Comment: This variant is not present in population databases (gnomAD no frequency). This sequence change replaces tyrosine, which is neutral and polar, with cysteine, which is neutral and slightly polar, at codon 662 of the HPS3 protein (p.Tyr662Cys). In summary, the available evidence is currently insufficient to determine the role of this variant in disease. Therefore, it has been classified as a Variant of Uncertain Significance. Algorithms developed to predict the effect of missense changes on protein structure and function are either unavailable or do not agree on the potential impact of this missense change (SIFT: "Deleterious"; PolyPhen-2: "Benign"; Align-GVGD: "Class C0"). ClinVar contains an entry for this variant (Variation ID: 1446239). This variant has not been reported in the literature in individuals affected with HPS3-related conditions.

NM_032383.5(HPS3):c.1985A>G (p.Tyr662Cys)

Gene: HPS3 (HPS3 biogenesis of lysosomal organelles complex 2 subunit 1; plus strand). Cytogenetic location: 3q24.
Variant type: single nucleotide variant.
Coding change: c.1985A>G on transcript NM_032383.5 (MANE Select); coding-DNA position 1985, A replaced by G.
Protein change: p.Tyr662Cys; replaces tyrosine 662 with cysteine.
Molecular consequence: missense variant.
Genome position (GRCh38, 1-based): chr3:149,160,158, A>G. VCF-style: chr3-149160158-A-G. GRCh37 (hg19) VCF-style: chr3-148877945-A-G.
Other names: c.1490A>G, p.Tyr497Cys (NM_001308258.2); short protein forms Y662C, Y497C.
Identifiers: ClinVar variation 1446239 (VCV001446239.9), dbSNP rs1723699242, ClinGen allele CA354923389.